The following is an entry in ClinVar:

NM_001458.5(FLNC):c.651C>T (p.Asn217=)

Gene: FLNC (filamin C; plus strand). Cytogenetic location: 7q32.1.
Variant type: single nucleotide variant.
Coding change: c.651C>T on transcript NM_001458.5 (MANE Select); coding-DNA position 651, C replaced by T.
Protein change: p.Asn217=; no amino-acid change (asparagine 217 retained).
Molecular consequence: synonymous variant.
Genome position (GRCh38, 1-based): chr7:128,837,209, C>T. VCF-style: chr7-128837209-C-T. GRCh37 (hg19) VCF-style: chr7-128477263-C-T.
Other names: c.651C>T, p.Asn217= (NM_001127487.2).
Identifiers: ClinVar variation 1126280 (VCV001126280.48), dbSNP rs370425863, ClinGen allele CA4474086.

ClinVar aggregate classification (germline): Likely benign. Review status: criteria provided, multiple submitters, no conflicts (2 of 4 stars). 7 submissions from 7 submitters: Likely benign (7). Last evaluated 2026-08-28.

Conditions:
Cardiovascular phenotype. Identifiers: MedGen CN230736.
FLNC-related disorder. Also called: FLNC-related condition; FLNC-related disorders.
Myofibrillar myopathy 5. Also called: Filaminopathy (type); FILAMINOPATHY, AUTOSOMAL DOMINANT. Identifiers: Orphanet 171445, MedGen C1836050, MONDO:0012289, OMIM 609524.
Hypertrophic cardiomyopathy 26. Also called: Cardiomyopathy, familial hypertrophic, 26. Identifiers: Orphanet 75249, MedGen C4310749, MONDO:0014883, OMIM 617047.
Distal myopathy with posterior leg and anterior hand involvement. Also called: WILLIAMS DISTAL MYOPATHY. Identifiers: Orphanet 63273, MedGen C3279722, MONDO:0013550, OMIM 614065.

Allele frequency attached by ClinVar (database versions not stated): gnomAD exomes 0.00002 and 0.00004; TOPMed 0.00004; gnomAD 0.00006; ExAC 0.00007; ESP Exome Variant Server 0.00008; 1000 Genomes Project 0.00020.
gnomAD v4.1: 41 of 1,602,520 alleles (0.0026%); highest among the groups gnomAD compares: African/African-American, 0.0094%; no homozygotes.

Submissions (7):

PreventionGenetics, part of Exact Sciences
Classification: Likely benign for FLNC-related condition. Last evaluated: 2026-08-28. Review status: criteria provided, single submitter. Criteria: ACMG Guidelines, 2015. Collection method: clinical testing. Allele origin: germline.
Comment: This variant is classified as likely benign based on ACMG/AMP sequence variant interpretation guidelines (Richards et al. 2015 PMID: 25741868, with internal and published modifications).

Labcorp Genetics (formerly Invitae), Labcorp
Classification: Likely benign for Distal myopathy with posterior leg and anterior hand involvement; Myofibrillar myopathy 5; Hypertrophic cardiomyopathy 26. Last evaluated: 2025-12-08. Review status: criteria provided, single submitter. Criteria: Invitae Variant Classification Sherloc (09022015). Collection method: clinical testing. Allele origin: germline.

Women's Health and Genetics/Laboratory Corporation of America, LabCorp
Classification: Likely benign. Last evaluated: 2023-07-21. Review status: criteria provided, single submitter. Criteria: LabCorp Variant Classification Summary - May 2015. Collection method: clinical testing. Allele origin: germline.

CeGaT Center for Human Genetics Tuebingen
Classification: Likely benign. Last evaluated: 2021-11-01. Review status: criteria provided, single submitter. Criteria: CeGaT Center For Human Genetics Tuebingen Variant Classification Criteria Version 2. Collection method: clinical testing. Allele origin: germline. Affected: yes. Observed: 1 variant allele.

Fulgent Genetics
Classification: Likely benign for Myofibrillar myopathy 5; Distal myopathy with posterior leg and anterior hand involvement; Hypertrophic cardiomyopathy 26. Last evaluated: 2021-09-01. Review status: criteria provided, single submitter. Criteria: ACMG Guidelines, 2015. Collection method: clinical testing. Allele origin: unknown.

Ambry Genetics
Classification: Likely benign for Cardiovascular phenotype. Last evaluated: 2019-12-13. Review status: criteria provided, single submitter. Criteria: Ambry Variant Classification Scheme 2023. Collection method: clinical testing. Allele origin: germline.

Blueprint Genetics
Classification: Likely benign. Last evaluated: 2019-12-11. Review status: criteria provided, single submitter. Criteria: ACMG Guidelines, 2015. Collection method: clinical testing. Allele origin: germline.